The following is an entry in ClinVar:

NM_000053.4(ATP7B):c.3854del (p.Gly1285fs)

Gene: ATP7B (ATPase copper transporting beta; minus strand). Cytogenetic location: 13q14.3.
Variant type: Deletion.
Coding change: c.3854del on transcript NM_000053.4 (MANE Select); coding-DNA position 3854, one base deleted (G; older notation c.3854delG).
Protein change: p.Gly1285fs; shifts the reading frame from glycine 1285.
Molecular consequence: frameshift variant. On other transcripts: intron variant (1).
Genome position (GRCh38, 1-based): chr13:51,937,525, C deleted on the plus strand (G on the coding strand, the reverse complement: ATP7B is on the minus strand); the first of 2 consecutive C bases (chr13:51,937,525-51,937,526); deleting either gives the same sequence. VCF-style (leftmost placement, unchanged base first): chr13-51937524-GC-G. GRCh37 (hg19) VCF-style: chr13-52511660-GC-G.
Other names: c.3233del, p.Gly1078fs (NM_001005918.3); c.3521del, p.Gly1174fs (NM_001243182.2); c.3620del, p.Gly1207fs (NM_001330578.2, NM_001406527.1, NM_001406528.1); c.3602del, p.Gly1201fs (NM_001330579.2, NM_001406531.1, NM_001406532.1); c.3854del, p.Gly1285fs (NM_001406511.1, NM_001406512.1); c.3848del, p.Gly1283fs (NM_001406513.1); c.3821del, p.Gly1274fs (NM_001406514.1); c.3800del, p.Gly1267fs (NM_001406515.1, NM_001406516.1); and 21 more; short protein forms G1004fs, G1058fs, G1069fs, G1078fs, G1091fs, G1121fs, G1123fs, G1136fs.
Identifiers: ClinVar variation 5014196 (VCV005014196.1).

ClinVar aggregate classification (germline): Pathogenic (1 of 4 stars; one submission).

Conditions:
Wilson disease (WND). Also called: Wilson's disease. Identifiers: Orphanet 905, MedGen C0019202, MONDO:0010200, OMIM 277900. Disease mechanism: loss of function.

Submission:

Myriad Genetics, Inc.
Classification: Pathogenic for Wilson disease. Last evaluated: 2025-03-09. Review status: criteria provided, single submitter. Criteria: Myriad Autosomal Dominant, Autosomal Recessive and X-Linked Classification Criteria (2023). Collection method: clinical testing. Allele origin: unknown.
Comment: NM_000053.3(ATP7B):c.3854delG(G1285Afs*45) is expected to be pathogenic in the context of Wilson disease. This variant is predicted to lead to an abnormal or absent protein product due to the creation of a premature termination codon in ATP7B, a gene where loss-of-function variants are known to be pathogenic. Please note: this variant was assessed in the context of healthy population screening.